The following is an entry in ClinVar:

ClinVar aggregate classification (germline): Uncertain significance. Review status: criteria provided, multiple submitters, no conflicts (2 of 4 stars). 3 submissions from 3 submitters: Uncertain significance (3). Last evaluated 2025-03-30.

Allele frequency attached by ClinVar (database versions not stated): gnomAD exomes below 0.00001; gnomAD 0.00001; TOPMed 0.00001.
gnomAD v4.1: 3 of 1,613,358 alleles (0.00019%); highest among the groups gnomAD compares: Non-Finnish European, 0.00025%; no homozygotes.

Submissions (3):

Ambry Genetics
Classification: Uncertain significance. Last evaluated: 2025-03-30. Review status: criteria provided, single submitter. Criteria: Ambry Variant Classification Scheme 2023. Collection method: clinical testing. Allele origin: germline.
Comment: The p.E713D variant (also known as c.2139A>T), located in coding exon 8 of the RNF43 gene, results from an A to T substitution at nucleotide position 2139. The glutamic acid at codon 713 is replaced by aspartic acid, an amino acid with highly similar properties. This amino acid position is conserved. In addition, this alteration is predicted to be tolerated by in silico analysis. Based on the available evidence, the clinical significance of this variant remains unclear.

GeneDx
Classification: Uncertain significance. Last evaluated: 2024-08-19. Review status: criteria provided, single submitter. Criteria: GeneDx Variant Classification Process June 2021. Collection method: clinical testing. Allele origin: germline. Affected: yes.
Comment: Not observed at significant frequency in large population cohorts (gnomAD); In silico analysis indicates that this missense variant does not alter protein structure/function; Has not been previously published as pathogenic or benign to our knowledge

Labcorp Genetics (formerly Invitae), Labcorp
Classification: Uncertain significance. Last evaluated: 2023-04-22. Review status: criteria provided, single submitter. Criteria: Invitae Variant Classification Sherloc (09022015). Collection method: clinical testing. Allele origin: germline.
Comment: This variant has not been reported in the literature in individuals affected with RNF43-related conditions. This variant is present in population databases (no rsID available, gnomAD 0.01%). This sequence change replaces glutamic acid, which is acidic and polar, with aspartic acid, which is acidic and polar, at codon 713 of the RNF43 protein (p.Glu713Asp). In summary, the available evidence is currently insufficient to determine the role of this variant in disease. Therefore, it has been classified as a Variant of Uncertain Significance. Algorithms developed to predict the effect of missense changes on protein structure and function output the following: SIFT: "Not Available"; PolyPhen-2: "Benign"; Align-GVGD: "Not Available". The aspartic acid amino acid residue is found in multiple mammalian species, which suggests that this missense change does not adversely affect protein function. ClinVar contains an entry for this variant (Variation ID: 1063779).

NM_017763.6(RNF43):c.2139A>T (p.Glu713Asp)

Gene: RNF43 (ring finger protein 43; minus strand). Cytogenetic location: 17q22.
Variant type: single nucleotide variant.
Coding change: c.2139A>T on transcript NM_017763.6 (MANE Select); coding-DNA position 2139, A replaced by T.
Protein change: p.Glu713Asp; replaces glutamic acid 713 with aspartic acid.
Molecular consequence: missense variant.
Genome position (GRCh38, 1-based): chr17:58,357,637, T>A on the plus strand (A>T on the coding strand, the complement: RNF43 is on the minus strand). VCF-style: chr17-58357637-T-A. GRCh37 (hg19) VCF-style: chr17-56434998-T-A.
Other names: c.2139A>T, p.Glu713Asp (NM_001305544.3); c.1758A>T, p.Glu586Asp (NM_001305545.2); short protein forms E586D, E713D.
Identifiers: ClinVar variation 1063779 (VCV001063779.12), dbSNP rs1035858875, ClinGen allele CA292030443.